The following is an entry in ClinVar:

ClinVar aggregate classification (germline): Uncertain significance (1 of 4 stars; one submission).

Conditions:
Inborn genetic diseases. Identifiers: MedGen C0950123, MeSH D030342.

Submission:

Ambry Genetics
Classification: Uncertain significance for Inborn genetic diseases. Last evaluated: 2026-07-17. Review status: criteria provided, single submitter. Criteria: Ambry Variant Classification Scheme 2023. Collection method: clinical testing. Allele origin: germline.
Comment: The p.A615P variant (also known as c.1843G>C), located in coding exon 13 of the ASXL1 gene, results from a G to C substitution at nucleotide position 1843. The alanine at codon 615 is replaced by proline, an amino acid with highly similar properties. This amino acid position is conserved. In addition, this alteration is predicted to be deleterious by in silico analysis. Based on the available evidence, the clinical significance of this variant remains unclear.

NM_015338.6(ASXL1):c.1843G>C (p.Ala615Pro)

Gene: ASXL1 (ASXL transcriptional regulator 1; plus strand). Cytogenetic location: 20q11.21.
Variant type: single nucleotide variant.
Coding change: c.1843G>C on transcript NM_015338.6 (MANE Select); coding-DNA position 1843, G replaced by C.
Protein change: p.Ala615Pro; replaces alanine 615 with proline.
Molecular consequence: missense variant.
Genome position (GRCh38, 1-based): chr20:32,434,555, G>C. VCF-style: chr20-32434555-G-C. GRCh37 (hg19) VCF-style: chr20-31022358-G-C.
Other names: c.1660G>C, p.Ala554Pro (NM_001363734.1); short protein forms A554P, A615P.
Identifiers: ClinVar variation 5029930 (VCV005029930.1).